The following is an entry in ClinVar:

NM_004360.5(CDH1):c.545A>C (p.Lys182Thr)

Gene: CDH1 (cadherin 1; plus strand). Cytogenetic location: 16q22.1.
Variant type: single nucleotide variant.
Coding change: c.545A>C on transcript NM_004360.5 (MANE Select); coding-DNA position 545, A replaced by C.
Protein change: p.Lys182Thr; replaces lysine 182 with threonine.
Molecular consequence: missense variant. On other transcripts: 5 prime UTR variant (2).
Genome position (GRCh38, 1-based): chr16:68,808,706, A>C. VCF-style: chr16-68808706-A-C. GRCh37 (hg19) VCF-style: chr16-68842609-A-C.
Other names: c.545A>C, p.Lys182Thr (NM_001317184.2); c.-1071A>C (NM_001317185.2); c.-1275A>C (NM_001317186.2); short protein forms K182T.
Identifiers: ClinVar variation 3653964 (VCV003653964.2).
Genomic context (GRCh38, chr16:68,808,706, plus strand): 5'-GTTGGGATCCTTCTTTACTAATTCTTTTTCTTTCATTTTGTCTTCAGATCAAATCCAACA[A>C]AGACAAAGAAGGCAAGGTTTTCTACAGCATCACTGGCCAAGGAGCTGACACACCCCCTGT-3'
Protein context (NP_004351.1, residues 172-192): PKNLVQIKSN[Lys182Thr]DKEGKVFYSI

ClinVar aggregate classification (germline): Uncertain significance (1 of 4 stars; one submission).

Conditions:
Hereditary diffuse gastric adenocarcinoma (HDGC). Also called: DIFFUSE GASTRIC AND LOBULAR BREAST CANCER SYNDROME. Identifiers: Orphanet 26106, MedGen C1708349, MONDO:0007648, OMIM 137215.

Submission:

Labcorp Genetics (formerly Invitae), Labcorp
Classification: Uncertain significance for Hereditary diffuse gastric adenocarcinoma. Last evaluated: 2024-05-21. Review status: criteria provided, single submitter. Criteria: Invitae Variant Classification Sherloc (09022015). Collection method: clinical testing. Allele origin: germline.
Comment: This sequence change replaces lysine, which is basic and polar, with threonine, which is neutral and polar, at codon 182 of the CDH1 protein (p.Lys182Thr). This variant is not present in population databases (gnomAD no frequency). This variant has not been reported in the literature in individuals affected with CDH1-related conditions. An algorithm developed to predict the effect of missense changes on protein structure and function (PolyPhen-2) suggests that this variant is likely to be disruptive. In summary, the available evidence is currently insufficient to determine the role of this variant in disease. Therefore, it has been classified as a Variant of Uncertain Significance.